The following is an entry in ClinVar:

ClinVar aggregate classification (germline): Benign (0 of 4 stars; one submission).

Conditions:
DBH-related disorder. Also called: DBH-related condition.

Allele frequency attached by ClinVar (database versions not stated): 1000 Genomes Project 30x 0.00359; 1000 Genomes Project 0.00399.

Submission:

PreventionGenetics, part of Exact Sciences
Classification: Benign for DBH-related condition. Last evaluated: 2019-10-29. Review status: no assertion criteria provided. Collection method: clinical testing. Allele origin: germline.
Comment: This variant is classified as benign based on ACMG/AMP sequence variant interpretation guidelines (Richards et al. 2015 PMID: 25741868, with internal and published modifications).

NC_000009.12:g.133630108C>T

Gene: DBH (dopamine beta-hydroxylase; plus strand). Cytogenetic location: 9q34.2.
Variant type: single nucleotide variant.
Genome position: GRCh38 VCF-style: chr9-133630108-C-T. GRCh37 (hg19) VCF-style: chr9-136495230-C-T.
Identifiers: ClinVar variation 3041559 (VCV003041559.2), dbSNP rs71505214, ClinGen allele CA200944474.